The following is an entry in ClinVar:

NM_006379.5(SEMA3C):c.2137C>T (p.Arg713Trp)

Gene: SEMA3C (semaphorin 3C; minus strand). Cytogenetic location: 7q21.11.
Variant type: single nucleotide variant.
Coding change: c.2137C>T on transcript NM_006379.5 (MANE Select); coding-DNA position 2137, C replaced by T.
Protein change: p.Arg713Trp; replaces arginine 713 with tryptophan.
Molecular consequence: missense variant.
Genome position (GRCh38, 1-based): chr7:80,745,013, G>A on the plus strand (C>T on the coding strand, the complement: SEMA3C is on the minus strand). VCF-style: chr7-80745013-G-A. GRCh37 (hg19) VCF-style: chr7-80374329-G-A.
Other names: c.2137C>T (NM_006379.3); c.2191C>T, p.Arg731Trp (NM_001350120.2); c.1963C>T, p.Arg655Trp (NM_001350121.2); short protein forms R655W, R713W, R731W.
Identifiers: ClinVar variation 3352246 (VCV003352246.3).

ClinVar aggregate classification (germline): Uncertain significance. Review status: criteria provided, multiple submitters, no conflicts (2 of 4 stars). 2 submissions from 2 submitters: Uncertain significance (2). Last evaluated 2026-06-11.

Conditions:
SEMA3C-related disorder. Also called: SEMA3C-related condition.

gnomAD v4.1: 96 of 1,613,892 alleles (0.0059%); highest among the groups gnomAD compares: Admixed American, 0.028%; no homozygotes.

Submissions (2):

PreventionGenetics, part of Exact Sciences
Classification: Uncertain significance for SEMA3C-related condition. Last evaluated: 2026-06-11. Review status: criteria provided, single submitter. Criteria: ACMG Guidelines, 2015. Collection method: clinical testing. Allele origin: germline.
Comment: The SEMA3C c.2191C>T variant is predicted to result in the amino acid substitution p.Arg731Trp. To our knowledge, this variant has not been reported in the literature. This variant is reported in 0.034% of alleles in individuals of Latino descent in gnomAD. At this time, the clinical significance of this variant is uncertain due to the absence of conclusive functional and genetic evidence.

Ambry Genetics
Classification: Uncertain significance. Last evaluated: 2025-05-19. Review status: criteria provided, single submitter. Criteria: Ambry Variant Classification Scheme 2023. Collection method: clinical testing. Allele origin: germline.